The following is an entry in ClinVar:

NM_000642.3(AGL):c.703G>A (p.Ala235Thr)

Gene: AGL (amylo-alpha-1,6-glucosidase and 4-alpha-glucanotransferase; plus strand). Cytogenetic location: 1p21.2.
Variant type: single nucleotide variant.
Coding change: c.703G>A on transcript NM_000642.3 (MANE Select); coding-DNA position 703, G replaced by A.
Protein change: p.Ala235Thr; replaces alanine 235 with threonine.
Molecular consequence: missense variant.
Genome position (GRCh38, 1-based): chr1:99,870,438, G>A. VCF-style: chr1-99870438-G-A. GRCh37 (hg19) VCF-style: chr1-100335994-G-A.
Other names: c.703G>A, p.Ala235Thr (NM_000028.3, NM_000643.3, NM_000644.3 and 3 more transcripts); c.655G>A, p.Ala219Thr (NM_000646.3); c.499G>A, p.Ala167Thr (NM_001425328.1, NM_001425329.1); c.325G>A, p.Ala109Thr (NM_001425332.1); short protein forms A235T, A219T, A109T, A167T.
Identifiers: ClinVar variation 651197 (VCV000651197.6), dbSNP rs1571242911, ClinGen allele CA341339340.

ClinVar aggregate classification (germline): Uncertain significance (1 of 4 stars; one submission).

Conditions:
Glycogen storage disease type III (GSD3). Also called: Cori disease; FORBES DISEASE. Identifiers: Orphanet 366, MedGen C0017922, MONDO:0009291, OMIM 232400.

Allele frequency attached by ClinVar (database versions not stated): gnomAD exomes below 0.00001.
gnomAD v4.1: 3 of 1,614,012 alleles (0.00019%); highest among the groups gnomAD compares: Non-Finnish European, 0.00025%; no homozygotes.

Submission:

Labcorp Genetics (formerly Invitae), Labcorp
Classification: Uncertain significance for Glycogen storage disease type III. Last evaluated: 2021-09-01. Review status: criteria provided, single submitter. Criteria: Invitae Variant Classification Sherloc (09022015). Collection method: clinical testing. Allele origin: germline.
Comment: This sequence change replaces alanine with threonine at codon 235 of the AGL protein (p.Ala235Thr). The alanine residue is weakly conserved and there is a small physicochemical difference between alanine and threonine. This variant is not present in population databases (ExAC no frequency). This variant has not been reported in the literature in individuals affected with AGL-related conditions. Algorithms developed to predict the effect of missense changes on protein structure and function (SIFT, PolyPhen-2, Align-GVGD) all suggest that this variant is likely to be tolerated. In summary, the available evidence is currently insufficient to determine the role of this variant in disease. Therefore, it has been classified as a Variant of Uncertain Significance.